The following is an entry in ClinVar:

ClinVar aggregate classification (germline): Benign (1 of 4 stars; one submission).

Allele frequency attached by ClinVar (database versions not stated): 1000 Genomes Project 30x 0.45144; 1000 Genomes Project 0.45487; TOPMed 0.53559; gnomAD 0.54099 and 0.54221.
gnomAD v4.1: 82,348 of 151,836 alleles (54%); highest among the groups gnomAD compares: Middle Eastern, 67%; 24,049 homozygotes.

Submission:

GeneDx
Classification: Benign. Last evaluated: 2018-06-16. Review status: criteria provided, single submitter. Criteria: GeneDx Variant Classification (06012015). Collection method: clinical testing. Allele origin: germline. Affected: yes.
Comment: This variant is considered likely benign or benign based on one or more of the following criteria: it is a conservative change, it occurs at a poorly conserved position in the protein, it is predicted to be benign by multiple in silico algorithms, and/or has population frequency not consistent with disease.

NM_005592.4(MUSK):c.1385-300A>G

Gene: MUSK (muscle associated receptor tyrosine kinase; plus strand). Cytogenetic location: 9q31.3.
Variant type: single nucleotide variant.
Coding change: c.1385-300A>G on transcript NM_005592.4 (MANE Select); 300 bases into the intron before coding-DNA position 1385, A replaced by G.
Molecular consequence: intron variant.
Genome position (GRCh38, 1-based): chr9:110,784,515, A>G. VCF-style: chr9-110784515-A-G. GRCh37 (hg19) VCF-style: chr9-113546795-A-G.
Other names: c.1127-300A>G (NM_001166280.2); c.1097-300A>G (NM_001166281.2); c.125-300A>G (NM_001369398.1).
Identifiers: ClinVar variation 673483 (VCV000673483.1), dbSNP rs2821145, ClinGen allele CA198357194.